The following is an entry in ClinVar:

ClinVar aggregate classification (germline): Conflicting classifications of pathogenicity. Review status: criteria provided, conflicting classifications (1 of 4 stars). 5 submissions from 5 submitters: Uncertain significance (1); Likely benign (4). Last evaluated 2026-05-22.

Conditions:
Dehydrated hereditary stomatocytosis 2 (DHS2). Also called: XEROCYTOSIS GARDOS; DESICCYTOSIS GARDOS. Identifiers: Orphanet 3202, MedGen C4225242, MONDO:0014737, OMIM 616689.
KCNN4-related disorder. Also called: KCNN4-related condition.

Allele frequency attached by ClinVar (database versions not stated): gnomAD 0.00040; ExAC 0.00049.
gnomAD v4.1: 1,500 of 1,501,022 alleles (0.1%); highest among the groups gnomAD compares: Non-Finnish European, 0.12%; no homozygotes.

Submissions (5):

PreventionGenetics, part of Exact Sciences
Classification: Likely benign for KCNN4-related condition. Last evaluated: 2026-05-22. Review status: criteria provided, single submitter. Criteria: ACMG Guidelines, 2015. Collection method: clinical testing. Allele origin: germline.
Comment: This variant is classified as likely benign based on ACMG/AMP sequence variant interpretation guidelines (Richards et al. 2015 PMID: 25741868, with internal and published modifications).

CeGaT Center for Human Genetics Tuebingen
Classification: Likely benign. Last evaluated: 2026-05-01. Review status: criteria provided, single submitter. Criteria: CeGaT Center For Human Genetics Tuebingen Variant Classification Criteria Version 2. Collection method: clinical testing. Allele origin: germline. Affected: yes. Observed: 1 variant allele.
Comment: KCNN4: BS1

Labcorp Genetics (formerly Invitae), Labcorp
Classification: Likely benign. Last evaluated: 2025-12-11. Review status: criteria provided, single submitter. Criteria: Invitae Variant Classification Sherloc (09022015). Collection method: clinical testing. Allele origin: germline.

Mayo Clinic Laboratories, Mayo Clinic
Classification: Uncertain significance. Last evaluated: 2024-09-19. Review status: criteria provided, single submitter. Criteria: ACMG Guidelines, 2015. Collection method: clinical testing. Allele origin: germline. Observed: 1 variant allele.
Comment: PP3

Revvity Omics, Revvity
Classification: Likely benign for Dehydrated hereditary stomatocytosis 2. Last evaluated: 2024-09-03. Review status: criteria provided, single submitter. Criteria: ACMG Guidelines, 2015. Collection method: clinical testing. Allele origin: germline.

NM_002250.3(KCNN4):c.263T>G (p.Met88Arg)

Genes: KCNN4 (potassium calcium-activated channel subfamily N member 4; minus strand), LOC128598884 (CRISPRi-validated cis-regulatory element KCNN4 K1; plus strand). Cytogenetic location: 19q13.31.
Variant type: single nucleotide variant.
Coding change: c.263T>G on transcript NM_002250.3 (MANE Select); coding-DNA position 263, T replaced by G.
Protein change: p.Met88Arg; replaces methionine 88 with arginine.
Molecular consequence: missense variant.
Genome position (GRCh38, 1-based): chr19:43,774,612, A>C on the plus strand (T>G on the coding strand, the complement: KCNN4 is on the minus strand). VCF-style: chr19-43774612-A-C. GRCh37 (hg19) VCF-style: chr19-44278764-A-C.
Other names: p.Met88Arg; c.263T>G (NM_002250.2); short protein forms M88R.
Identifiers: ClinVar variation 2433015 (VCV002433015.8), dbSNP rs201220075, ClinGen allele CA9492027.